The following is an entry in ClinVar:

ClinVar aggregate classification (germline): Uncertain significance (1 of 4 stars; one submission).

Conditions:
Seizure. Also called: Seizures. Identifiers: MedGen C0036572, HP:0001250.

Submission:

Institute of Human Genetics, University of Leipzig Medical Center
Classification: Uncertain significance for Seizures. Last evaluated: 2019-01-01. Review status: criteria provided, single submitter. Criteria: ACMG Guidelines, 2015. Collection method: clinical testing. Allele origin: de novo. Affected: yes.
Comment: This variant was identified as de novo.

NM_001095.4(ASIC1):c.363-2A>G

Gene: ASIC1 (acid sensing ion channel subunit 1; plus strand). Cytogenetic location: 12q13.12.
Variant type: single nucleotide variant.
Coding change: c.363-2A>G on transcript NM_001095.4 (MANE Select); the canonical splice acceptor site of the intron before coding-DNA position 363, A replaced by G.
Molecular consequence: splice acceptor variant.
Genome position (GRCh38, 1-based): chr12:50,059,757, A>G. VCF-style: chr12-50059757-A-G. GRCh37 (hg19) VCF-style: chr12-50453540-A-G.
Other names: c.363-2A>G (NM_001412756.1, NM_020039.4, NM_001412758.1 and 1 more transcripts).
Identifiers: ClinVar variation 982934 (VCV000982934.1), dbSNP rs1950483201, ClinGen allele CA384776851.
Genomic context (GRCh38, chr12:50,059,757, plus strand): 5'-AAGTTGGGTGCAGGACACTGATGACTGTACTGACCCGTGTGTCACTCACCCCCGGACCCC[A>G]GGTATGAGATACCAGACACACAGATGGCAGATGAAAAGCAGCTGGAGATACTGCAGGACA-3'